The following is an entry in ClinVar:

ClinVar aggregate classification (germline): Uncertain significance (1 of 4 stars; one submission).

Conditions:
Ehlers-Danlos syndrome, spondylodysplastic type, 2 (EDSSPD2). Also called: Ehlers-Danlos syndrome, progeroid type, 2. Identifiers: Orphanet 536467, Orphanet 75496, MedGen C3809210, MONDO:0014139, OMIM 615349.
Spondyloepimetaphyseal dysplasia with joint laxity (SEMDJL). Identifiers: MedGen C0432243, MONDO:0019675.

Submission:

Labcorp Genetics (formerly Invitae), Labcorp
Classification: Uncertain significance for Ehlers-Danlos syndrome, spondylodysplastic type, 2; Spondyloepimetaphyseal dysplasia with joint laxity. Last evaluated: 2022-03-03. Review status: criteria provided, single submitter. Criteria: Invitae Variant Classification Sherloc (09022015). Collection method: clinical testing. Allele origin: germline.
Comment: This sequence change creates a premature translational stop signal (p.Tyr218Thrfs*60) in the B3GALT6 gene. While this is not anticipated to result in nonsense mediated decay, it is expected to disrupt the last 112 amino acid(s) of the B3GALT6 protein. In summary, the available evidence is currently insufficient to determine the role of this variant in disease. Therefore, it has been classified as a Variant of Uncertain Significance. ClinVar contains an entry for this variant (Variation ID: 1061638). This variant has not been reported in the literature in individuals affected with B3GALT6-related conditions. This variant is not present in population databases (gnomAD no frequency).

NM_080605.4(B3GALT6):c.651del (p.Tyr218fs)

Gene: B3GALT6 (beta-1,3-galactosyltransferase 6; plus strand). Cytogenetic location: 1p36.33.
Variant type: Deletion.
Coding change: c.651del on transcript NM_080605.4 (MANE Select); coding-DNA position 651, one base deleted (C; older notation c.651delC).
Protein change: p.Tyr218fs; shifts the reading frame from tyrosine 218.
Molecular consequence: frameshift variant.
Genome position (GRCh38, 1-based): chr1:1,232,929, C deleted. VCF-style (leftmost placement, unchanged base first): chr1-1232928-GC-G. GRCh37 (hg19) VCF-style: chr1-1168308-GC-G.
Other names: short protein forms Y218fs.
Identifiers: ClinVar variation 1061638 (VCV001061638.7), dbSNP rs2100994328, ClinGen allele CA2499214154.